The following is an entry in ClinVar:

NM_000548.5(TSC2):c.1967AGA[2] (p.Lys658del)

Gene: TSC2 (TSC complex subunit 2; plus strand). Cytogenetic location: 16p13.3.
Variant type: Microsatellite.
Coding change: c.1967AGA[2] on transcript NM_000548.5 (MANE Select); two copies in a row of the 3-base unit AGA starting at c.1967; the reference has three copies in a row; one copy, 3 bases deleted; also written c.1973_1975del.
Protein change: p.Lys658del; deletes lysine 658.
Molecular consequence: inframe deletion.
Genome position (GRCh38, 1-based): chr16:2,071,810-2,071,812, AGA deleted; deleting any 3 consecutive bases within chr16:2,071,804-2,071,812 gives the same sequence; the position shown is the placement nearest the transcript's 3' end. VCF-style (leftmost placement, unchanged base first): chr16-2071803-GAGA-G. GRCh37 (hg19) VCF-style: chr16-2121804-GAGA-G.
Other names: c.1967AGA[2], p.Lys658del (NM_001077183.3, NM_001114382.3, NM_001363528.2 and 3 more transcripts); c.1856AGA[2], p.Lys621del (NM_001318827.2); c.1820AGA[2], p.Lys609del (NM_001318829.2); c.1367AGA[2], p.Lys458del (NM_001318831.2); c.2000AGA[2], p.Lys669del (NM_001318832.2); c.1973_1975del (NM_000548.5); short protein forms K658del, K621del, K458del, K669del, K609del.
Identifiers: ClinVar variation 49185 (VCV000049185.19), dbSNP rs137854104, ClinGen allele CA016366.
Genomic context (GRCh38, chr16:2,071,803, plus strand): 5'-CTGCGGGGACTTGGCCTCAGCTGCTTCTCTTGCTTCTGCAGGGAGCCAGAGAGAGGCTCT[GAGA>G]AGAAGACCAGCGGCCCCCTTTCTCCTCCCACAGGGCCTCCTGGCCCGGCGCCTGCAGGCC-3'

ClinVar aggregate classification (germline): Benign/Likely benign. Review status: criteria provided, multiple submitters, no conflicts (2 of 4 stars). 5 submissions from 5 submitters: Benign (1); Likely benign (3). 1 of the submissions does not count toward it. Last evaluated 2025-12-08.

Conditions:
Hereditary cancer-predisposing syndrome. Also called: Neoplastic Syndromes, Hereditary; Tumor predisposition; Hereditary Cancer Syndrome; Hereditary neoplastic syndrome. Identifiers: Orphanet 140162, MedGen C0027672, MeSH D009386, MONDO:0015356.
Tuberous sclerosis syndrome (TSC). Also called: Tuberous Sclerosis Complex; Tuberous sclerosis. Identifiers: Orphanet 805, MedGen C0041341, MONDO:0001734.
Tuberous sclerosis 2 (TSC2). Identifiers: Orphanet 805, MedGen C1860707, MONDO:0013199, OMIM 613254.

Submissions (5):

Labcorp Genetics (formerly Invitae), Labcorp
Classification: Likely benign for Tuberous sclerosis 2. Last evaluated: 2025-12-08. Review status: criteria provided, single submitter. Criteria: Invitae Variant Classification Sherloc (09022015). Collection method: clinical testing. Allele origin: germline.

Ambry Genetics
Classification: Benign for Hereditary cancer-predisposing syndrome. Last evaluated: 2024-08-29. Review status: criteria provided, single submitter. Criteria: Ambry Variant Classification Scheme 2023. Collection method: clinical testing. Allele origin: germline.

Color Diagnostics, LLC DBA Color Health
Classification: Likely benign for Tuberous sclerosis syndrome. Last evaluated: 2023-04-03. Review status: criteria provided, single submitter. Criteria: ACMG Guidelines, 2015. Collection method: clinical testing. Allele origin: germline.

GeneDx
Classification: Likely benign. Last evaluated: 2021-03-22. Review status: criteria provided, single submitter. Criteria: GeneDx Variant Classification Process June 2021. Collection method: clinical testing. Allele origin: germline. Affected: yes.
Comment: This variant is associated with the following publications: (PMID: 21309039)

Tuberous sclerosis database (TSC2)
No classification provided. Condition: TSC. Review status: no classification provided. Criteria: Tuberous Sclerosis Database Assertion Criteria 2015. Collection method: curation. Allele origin: germline. Affected: yes. Not counted in ClinVar's aggregate classification.

Literature cited by the submitters: PubMed 21309039 (cited by Ambry Genetics).